The following is an entry in ClinVar:

NM_001903.5(CTNNA1):c.649A>G (p.Asn217Asp)

Gene: CTNNA1 (catenin alpha 1; plus strand). Cytogenetic location: 5q31.2.
Variant type: single nucleotide variant.
Coding change: c.649A>G on transcript NM_001903.5 (MANE Select); coding-DNA position 649, A replaced by G.
Protein change: p.Asn217Asp; replaces asparagine 217 with aspartic acid.
Molecular consequence: missense variant.
Genome position (GRCh38, 1-based): chr5:138,824,590, A>G. VCF-style: chr5-138824590-A-G. GRCh37 (hg19) VCF-style: chr5-138160279-A-G.
Other names: c.649A>G, p.Asn217Asp (NM_001323985.2, NM_001323986.2, NM_001290307.3 and 3 more transcripts); c.340A>G, p.Asn114Asp (NM_001290309.3); c.280A>G, p.Asn94Asp (NM_001290310.3); short protein forms N114D, N217D, N94D.
Identifiers: ClinVar variation 4869466 (VCV004869466.1).

ClinVar aggregate classification (germline): Uncertain significance (1 of 4 stars; one submission).

Conditions:
Hereditary cancer-predisposing syndrome. Also called: Neoplastic Syndromes, Hereditary; Tumor predisposition; Hereditary Cancer Syndrome; Hereditary neoplastic syndrome. Identifiers: Orphanet 140162, MedGen C0027672, MeSH D009386, MONDO:0015356.

Submission:

Ambry Genetics
Classification: Uncertain significance for Hereditary cancer-predisposing syndrome. Last evaluated: 2026-03-28. Review status: criteria provided, single submitter. Criteria: Ambry Variant Classification Scheme 2023. Collection method: clinical testing. Allele origin: germline.
Comment: The p.N217D variant (also known as c.649A>G), located in coding exon 5 of the CTNNA1 gene, results from an A to G substitution at nucleotide position 649. The asparagine at codon 217 is replaced by aspartic acid, an amino acid with highly similar properties. This amino acid position is conserved. In addition, this alteration is predicted to be tolerated by in silico analysis. Based on the available evidence, the clinical significance of this variant remains unclear.